The following is an entry in ClinVar:

ClinVar aggregate classification (germline): Pathogenic. Review status: criteria provided, multiple submitters, no conflicts (2 of 4 stars). 4 submissions from 4 submitters: Pathogenic (4). Last evaluated 2025-08-27.

Conditions:
Maple syrup urine disease type 1A (MSUD1A). Also called: MSUD type 1A. Identifiers: MedGen C1855369, MONDO:0023691, OMIM 248600.
Maple syrup urine disease type 1B (MSUD1B). Also called: MSUD type IB; MSUD type 3 (formerly); MSUD due to deficiency of e1-beta subunit of branched-chain alpha-keto acid dehydrogenase complex. Identifiers: MedGen C2930990, MONDO:0023692, OMIM 620698.
Maple syrup urine disease (MSUD). Identifiers: Orphanet 511, MedGen C0024776, MeSH D008375, MONDO:0009563. Disease mechanism: loss of function.

Allele frequency attached by ClinVar (database versions not stated): TOPMed below 0.00001; ExAC 0.00001; gnomAD 0.00001; gnomAD exomes 0.00001.
gnomAD v4.1: 4 of 1,614,070 alleles (0.00025%); highest among the groups gnomAD compares: Admixed American, 0.0067%; no homozygotes.

Submissions (4):

Natera, Inc.
Classification: Pathogenic for Maple syrup urine disease type 1B. Last evaluated: 2025-08-27. Review status: criteria provided, single submitter. Criteria: Natera Variant Classification Schema (03/2026). Collection method: clinical testing. Allele origin: germline.
Comment: The c.564T>A variant in BCKDHB is a nonsense variant predicted to introduce a stop codon at amino acid 188. This variant is expected to result in nonsense mediated decay, truncation, or a dysfunctional protein product. This variant is rare in the general population with a frequency below the threshold expected for the associated phenotype(s). This variant has been observed in one or more individuals affected with the associated recessive disease, as either homozygous or compound heterozygous with a second variant (PMID: 19480318). Given the available evidence, this variant is classified as Pathogenic.

Labcorp Genetics (formerly Invitae), Labcorp
Classification: Pathogenic for Maple syrup urine disease. Last evaluated: 2023-12-12. Review status: criteria provided, single submitter. Criteria: Invitae Variant Classification Sherloc (09022015). Collection method: clinical testing. Allele origin: germline.
Comment: This sequence change creates a premature translational stop signal (p.Cys188*) in the BCKDHB gene. It is expected to result in an absent or disrupted protein product. Loss-of-function variants in BCKDHB are known to be pathogenic (PMID: 16786533, 22593002). This variant is present in population databases (rs774306610, gnomAD 0.009%). This premature translational stop signal has been observed in individual(s) with maple syrup urine disease (PMID: 19480318). ClinVar contains an entry for this variant (Variation ID: 580585). For these reasons, this variant has been classified as Pathogenic.

3billion
Classification: Pathogenic for Maple syrup urine disease type 1A. Last evaluated: 2023-07-25. Review status: criteria provided, single submitter. Criteria: ACMG Guidelines, 2015. Collection method: clinical testing. Allele origin: germline. Affected: yes.
Comment: The variant is observed at an extremely low frequency in the gnomAD v2.1.1 dataset (total allele frequency: 0.001%). Predicted Consequence/Location: Stop-gained (nonsense): predicted to result in a loss or disruption of normal protein function through nonsense-mediated decay (NMD) or protein truncation. Multiple pathogenic variants are reported downstream of the variant. The variant has been reported at least twice as pathogenic with clinical assertions and evidence for the classification (ClinVar ID: VCV000580585 /PMID: 19480318 /3billion dataset). Therefore, this variant is classified as Pathogenic according to the recommendation of ACMG/AMP guideline.

National Newborn Screening Laboratory, Hospital Nacional de Niños
Classification: Pathogenic for Maple syrup urine disease type 1A. Review status: criteria provided, single submitter. Criteria: ACMG Guidelines, 2015. Collection method: clinical testing. Allele origin: maternal, paternal, inherited. Inheritance: Autosomal recessive inheritance. Affected: yes. Observed: 4 compound heterozygotes, 1 homozygote. Segregation with disease observed.
Comment: This is a null variant in a gene where the loss of function is a known disease mechanism, resulting in a truncated protein creating a premature stop codon. It is present in population databases in low frequency (gnomAD exomes: 0,00001; ExAC: 0,000008). This variant has been published in the literature associated with individuals with MSUD (PMID: 19480318).

Literature cited by the submitters: PubMed 19480318 (cited by 4 submitters); PubMed 16786533 (cited by Labcorp Genetics (formerly Invitae), Labcorp); PubMed 22593002 (cited by Labcorp Genetics (formerly Invitae), Labcorp).

NM_183050.4(BCKDHB):c.564T>A (p.Cys188Ter)

Gene: BCKDHB (branched chain keto acid dehydrogenase E1 subunit beta; plus strand). Cytogenetic location: 6q14.1.
Variant type: single nucleotide variant.
Coding change: c.564T>A on transcript NM_183050.4 (MANE Select); coding-DNA position 564, T replaced by A.
Protein change: p.Cys188Ter; replaces cysteine 188 with a stop codon.
Molecular consequence: nonsense. On other transcripts: non-coding transcript variant (1).
Genome position (GRCh38, 1-based): chr6:80,168,961, T>A. VCF-style: chr6-80168961-T-A. GRCh37 (hg19) VCF-style: chr6-80878678-T-A.
Other names: c.564T>A, p.Cys188Ter (NM_000056.5); c.354T>A, p.Cys118Ter (NM_001318975.1); c.564T>A (NM_183050.3); short protein forms C188*, C118*.
Identifiers: ClinVar variation 580585 (VCV000580585.14), dbSNP rs774306610, ClinGen allele CA3902654.